The following is an entry in ClinVar:

ClinVar aggregate classification (germline): Likely benign (1 of 4 stars; one submission).

gnomAD v4.1: 234 of 1,613,994 alleles (0.014%); highest among the groups gnomAD compares: South Asian, 0.0055%; no homozygotes.

Submission:

CeGaT Center for Human Genetics Tuebingen
Classification: Likely benign. Last evaluated: 2025-10-01. Review status: criteria provided, single submitter. Criteria: CeGaT Center For Human Genetics Tuebingen Variant Classification Criteria Version 2. Collection method: clinical testing. Allele origin: germline. Affected: yes. Observed: 1 variant allele.
Comment: MSL2: BP4, BP7

NM_018133.4(MSL2):c.708A>G (p.Pro236=)

Gene: MSL2 (MSL complex subunit 2; minus strand). Cytogenetic location: 3q22.3.
Variant type: single nucleotide variant.
Coding change: c.708A>G on transcript NM_018133.4 (MANE Select); coding-DNA position 708, A replaced by G.
Protein change: p.Pro236=; no amino-acid change (proline 236 retained).
Molecular consequence: synonymous variant.
Genome position (GRCh38, 1-based): chr3:136,152,173, T>C on the plus strand (A>G on the coding strand, the complement: MSL2 is on the minus strand). VCF-style: chr3-136152173-T-C. GRCh37 (hg19) VCF-style: chr3-135871015-T-C.
Other names: c.486A>G, p.Pro162= (NM_001145417.2).
Identifiers: ClinVar variation 4533964 (VCV004533964.6).